The following is an entry in ClinVar:

NM_000393.5(COL5A2):c.302G>A (p.Gly101Glu)

Gene: COL5A2 (collagen type V alpha 2 chain; minus strand). Cytogenetic location: 2q32.2.
Variant type: single nucleotide variant.
Coding change: c.302G>A on transcript NM_000393.5 (MANE Select); coding-DNA position 302, G replaced by A.
Protein change: p.Gly101Glu; replaces glycine 101 with glutamic acid.
Molecular consequence: missense variant.
Genome position (GRCh38, 1-based): chr2:189,110,245, C>T on the plus strand (G>A on the coding strand, the complement: COL5A2 is on the minus strand). VCF-style: chr2-189110245-C-T. GRCh37 (hg19) VCF-style: chr2-189974971-C-T.
Other names: short protein forms G101E.
Identifiers: ClinVar variation 898269 (VCV000898269.4), dbSNP rs777070552, ClinGen allele CA2023158.

ClinVar aggregate classification (germline): Likely benign (1 of 4 stars; one submission).

Conditions:
Ehlers-Danlos syndrome, classic type, 2 (EDSCL2). Also called: Ehlers-Danlos syndrome, type 2; Ehlers-Danlos syndrome type 2 (formerly); Ehlers-Danlos Syndrome, Classic Type, COL5A2-Related. Identifiers: Orphanet 287, Orphanet 90318, MedGen C0268336, MONDO:0019568, OMIM 130010.

Allele frequency attached by ClinVar (database versions not stated): gnomAD exomes 0.00001 and below 0.00001; ExAC 0.00002.
gnomAD v4.1: 3 of 1,613,810 alleles (0.00019%); highest among the groups gnomAD compares: East Asian, 0.0022%; no homozygotes.

Submission:

Illumina Laboratory Services, Illumina
Classification: Likely benign for Ehlers-Danlos syndrome, classic type, 2. Last evaluated: 2018-01-13. Review status: criteria provided, single submitter. Criteria: ICSL Variant Classification Criteria 13 December 2019. Collection method: clinical testing. Allele origin: germline.
Comment: This variant was observed in the ICSL laboratory as part of a predisposition screen in an ostensibly healthy population. It had not been previously curated by ICSL or reported in the Human Gene Mutation Database (HGMD: prior to June 1st, 2018), and was therefore a candidate for classification through an automated scoring system. Utilizing variant allele frequency, disease prevalence and penetrance estimates, and inheritance mode, an automated score was calculated to assess if this variant is too frequent to cause the disease. Based on the score and internal cut-off values, a variant classified as likely benign is not then subjected to further curation. The score for this variant resulted in a classification of likely benign for this disease.